The following is an entry in ClinVar:

NM_021625.5(TRPV4):c.2461C>T (p.Arg821Cys)

Gene: TRPV4 (transient receptor potential cation channel subfamily V member 4; minus strand). Cytogenetic location: 12q24.11.
Variant type: single nucleotide variant.
Coding change: c.2461C>T on transcript NM_021625.5 (MANE Select); coding-DNA position 2461, C replaced by T.
Protein change: p.Arg821Cys; replaces arginine 821 with cysteine.
Molecular consequence: missense variant.
Genome position (GRCh38, 1-based): chr12:109,783,776, G>A on the plus strand (C>T on the coding strand, the complement: TRPV4 is on the minus strand). VCF-style: chr12-109783776-G-A. GRCh37 (hg19) VCF-style: chr12-110221581-G-A.
Other names: c.2320C>T, p.Arg774Cys (NM_001177428.2); c.2359C>T, p.Arg787Cys (NM_001177431.2); c.2140C>T, p.Arg714Cys (NM_001177433.2); c.2281C>T, p.Arg761Cys (NM_147204.3); short protein forms R774C, R787C, R714C, R761C, R821C.
Identifiers: ClinVar variation 2724148 (VCV002724148.3), dbSNP rs1411305679, ClinGen allele CA386648663.

ClinVar aggregate classification (germline): Conflicting classifications of pathogenicity. Review status: criteria provided, conflicting classifications (1 of 4 stars). 2 submissions from 2 submitters: Uncertain significance (1); Likely benign (1). Last evaluated 2026-02-10.

Conditions:
Spondylometaphyseal dysplasia, Kozlowski type (SMDK). Also called: Spondylometaphyseal Dysplasia, TRPV4-Related (Kozlowski Type); Dysmorphism arthrogryposis skeletal maturation advanced; Jequier-Kozlowski syndrome; Skeletal dysplasia Jequier-Kozlowski type; SMD Kozlowski type. Identifiers: Orphanet 93314, MedGen C0265280, MONDO:0008477, OMIM 184252.
Charcot-Marie-Tooth disease axonal type 2C (HMSN2C). Also called: Charcot-Marie-Tooth Disease Type 2, TRPV4-Related (CMT2C); CHARCOT-MARIE-TOOTH DISEASE, AXONAL, AUTOSOMAL DOMINANT, TYPE 2C; Charcot-Marie-Tooth Neuropathy Type 2C. Identifiers: Orphanet 99937, MedGen C1853710, MONDO:0011633, OMIM 606071.

Allele frequency attached by ClinVar (database versions not stated): gnomAD exomes below 0.00001; gnomAD 0.00001.
gnomAD v4.1: 9 of 1,611,506 alleles (0.00056%); highest among the groups gnomAD compares: South Asian, 0.0055%; no homozygotes.

Submissions (2):

Centre for Medical Genetics,  Mumbai
Classification: Likely benign for Spondylometaphyseal dysplasia, Kozlowski type. Last evaluated: 2026-02-10. Review status: criteria provided, single submitter. Criteria: ACMG Guidelines, 2015. Collection method: provider interpretation. Allele origin: germline. Inheritance: Autosomal dominant inheritance. Affected: no. Observed: 1 heterozygote.
Comment: The variant satisfies PM2 criteria; extremely low frequency in gnomAD population databases. The variant satisfies PP3 criteria; For a missense or a splicing region variant, computational prediction tools unanimously support a deleterious effect on the gene. However, the variant satisfies BS2 criteria.

Labcorp Genetics (formerly Invitae), Labcorp
Classification: Uncertain significance for Charcot-Marie-Tooth disease axonal type 2C. Last evaluated: 2024-08-14. Review status: criteria provided, single submitter. Criteria: Invitae Variant Classification Sherloc (09022015). Collection method: clinical testing. Allele origin: germline.
Comment: This sequence change replaces arginine, which is basic and polar, with cysteine, which is neutral and slightly polar, at codon 821 of the TRPV4 protein (p.Arg821Cys). This variant is present in population databases (no rsID available, gnomAD 0.003%). This variant has not been reported in the literature in individuals affected with TRPV4-related conditions. An algorithm developed to predict the effect of missense changes on protein structure and function (PolyPhen-2) suggests that this variant is likely to be disruptive. In summary, the available evidence is currently insufficient to determine the role of this variant in disease. Therefore, it has been classified as a Variant of Uncertain Significance.

Literature cited by the submitters: PubMed 19232556 (cited by Centre for Medical Genetics,  Mumbai).